The following is an entry in ClinVar:

ClinVar aggregate classification (germline): Pathogenic. Review status: no assertion criteria provided (0 of 4 stars). 2 submissions from 2 submitters: Pathogenic (1). 1 of the submissions does not count toward it. Last evaluated 1999-03-01.

Conditions:
Seizures, benign familial neonatal, 1. Also called: Benign Neonatal Epilepsy 1; KCNQ2-Related Benign Familial Neonatal Epilepsy; KCNQ2-Related Self-Limited Familial Neonatal Epilepsy (SLFNE); Seizures, benign neonatal, 1. Identifiers: Orphanet 1949, MedGen C3149074, MONDO:0007365, OMIM 121200.

Submissions (2):

OMIM
Classification: Pathogenic for SEIZURES, BENIGN FAMILIAL NEONATAL, 1. Last evaluated: 1999-03-01. Review status: no assertion criteria provided. Collection method: literature only. Allele origin: germline.

GeneReviews
No classification provided. Condition: Seizures, benign familial neonatal, 1. Review status: no classification provided. Collection method: literature only. Allele origin: germline. Affected: yes. Not counted in ClinVar's aggregate classification.
Comment: BFNE (benign familial neonatal epilepsy). In all patients, seizures persisted until 12-18 months.

Literature cited by the submitters: PubMed 10323247 (cited by OMIM and GeneReviews); PubMed 15178210 (cited by GeneReviews); NCBI Bookshelf NBK32534 (cited by GeneReviews).

NM_172107.4(KCNQ2):c.1930del (p.Tyr644fs)

Gene: KCNQ2 (potassium voltage-gated channel subfamily Q member 2; minus strand). Cytogenetic location: 20q13.33.
Variant type: Deletion.
Coding change: c.1930del on transcript NM_172107.4 (MANE Select); coding-DNA position 1930, one base deleted (T; older notation c.1930delT).
Protein change: p.Tyr644fs; shifts the reading frame from tyrosine 644.
Molecular consequence: frameshift variant.
Genome position (GRCh38, 1-based): chr20:63,407,333, A deleted on the plus strand (T on the coding strand, the reverse complement: KCNQ2 is on the minus strand). VCF-style (leftmost placement, unchanged base first): chr20-63407332-TA-T. GRCh37 (hg19) VCF-style: chr20-62038685-TA-T.
Other names: c.1984del, p.Tyr662fs (NM_001382235.1); c.1846del, p.Tyr616fs (NM_004518.6); c.1876del, p.Tyr626fs (NM_172106.3); c.1837del, p.Tyr613fs (NM_172108.5); short protein forms Y644fs, Y613fs, Y626fs, Y616fs, Y662fs.
Identifiers: ClinVar variation 21772 (VCV000021772.3), dbSNP rs118192241, ClinGen allele CA342481.
Genomic context (GRCh38, chr20:63,407,332, plus strand): 5'-GGCTCTTTGGCCCCAAAGTAGGCCTCGGTCTCTGTCGGGGGGATGCCCATCCGCTGCATG[TA>T]GATATTCACCAGGAAGTCCAGCTTCTTCTCCATGGACAAGACCTGCAAAAGGGGCTGCTG-3'